The following is an entry in ClinVar:

ClinVar aggregate classification (germline): Uncertain significance (1 of 4 stars; one submission).

Conditions:
Glycogen storage disease, type II (IOPD). Also called: GLYCOGENOSIS, GENERALIZED, CARDIAC FORM; POMPE DISEASE, INFANTILE-ONSET; GLYCOGEN STORAGE DISEASE II, INFANTILE-ONSET; ACID ALPHA-GLUCOSIDASE DEFICIENCY, INFANTILE-ONSET; GAA DEFICIENCY, INFANTILE-ONSET; ACID MALTASE DEFICIENCY, INFANTILE-ONSET. Identifiers: Orphanet 365, MedGen C0017921, MONDO:0009290, OMIM 232300.

Submission:

Labcorp Genetics (formerly Invitae), Labcorp
Classification: Uncertain significance for Glycogen storage disease, type II. Last evaluated: 2025-05-07. Review status: criteria provided, single submitter. Criteria: Invitae Variant Classification Sherloc (09022015). Collection method: clinical testing. Allele origin: germline.
Comment: This sequence change replaces alanine, which is neutral and non-polar, with glycine, which is neutral and non-polar, at codon 912 of the GAA protein (p.Ala912Gly). This variant is not present in population databases (gnomAD no frequency). This variant has not been reported in the literature in individuals affected with GAA-related conditions. ClinVar contains an entry for this variant (Variation ID: 3704846). Invitae Evidence Modeling of protein sequence and biophysical properties (such as structural, functional, and spatial information, amino acid conservation, physicochemical variation, residue mobility, and thermodynamic stability) indicates that this missense variant is not expected to disrupt GAA protein function with a negative predictive value of 95%. In summary, the available evidence is currently insufficient to determine the role of this variant in disease. Therefore, it has been classified as a Variant of Uncertain Significance.

NM_000152.5(GAA):c.2735C>G (p.Ala912Gly)

Gene: GAA (alpha glucosidase; plus strand). Cytogenetic location: 17q25.3.
Variant type: single nucleotide variant.
Coding change: c.2735C>G on transcript NM_000152.5 (MANE Select); coding-DNA position 2735, C replaced by G.
Protein change: p.Ala912Gly; replaces alanine 912 with glycine.
Molecular consequence: missense variant.
Genome position (GRCh38, 1-based): chr17:80,118,741, C>G. VCF-style: chr17-80118741-C-G. GRCh37 (hg19) VCF-style: chr17-78092540-C-G.
Other names: c.2735C>G, p.Ala912Gly (NM_001079803.3, NM_001079804.3, NM_001406741.1 and 1 more transcripts); short protein forms A912G.
Identifiers: ClinVar variation 3704846 (VCV003704846.2).